The following is an entry in ClinVar:

NM_021096.4(CACNA1I):c.3533C>A (p.Ala1178Asp)

Gene: CACNA1I (calcium voltage-gated channel subunit alpha1 I; plus strand). Cytogenetic location: 22q13.1.
Variant type: single nucleotide variant.
Coding change: c.3533C>A on transcript NM_021096.4 (MANE Select); coding-DNA position 3533, C replaced by A.
Protein change: p.Ala1178Asp; replaces alanine 1178 with aspartic acid.
Molecular consequence: missense variant.
Genome position (GRCh38, 1-based): chr22:39,663,777, C>A. VCF-style: chr22-39663777-C-A. GRCh37 (hg19) VCF-style: chr22-40059782-C-A.
Other names: c.3428C>A, p.Ala1143Asp (NM_001003406.2); short protein forms A1143D, A1178D.
Identifiers: ClinVar variation 5019354 (VCV005019354.2).
Genomic context (GRCh38, chr22:39,663,777, plus strand): 5'-GGTTCCGGGTCCTGTGTCAGACCATTATTGCCCACAAACTCTTCGACTACGTCGTCCTGG[C>A]CTTCATCTTTCTCAACTGCATCACCATCGCCCTGGAGCGGCCTCAGATCGAGGCCGGCAG-3'
Protein context (NP_066919.2, residues 1168-1188): AHKLFDYVVL[Ala1178Asp]FIFLNCITIA

ClinVar aggregate classification (germline): Uncertain significance (1 of 4 stars; one submission).

Conditions:
Neurodevelopmental disorder with speech impairment and with or without seizures. Also called: Neurodevelopmental disorder with variable intellectual disability and speech impairment, with or without seizures. Identifiers: MedGen C5774252, MONDO:0859313, OMIM 620114.

Submission:

Juno Genomics, Hangzhou Juno Genomics, Inc
Classification: Uncertain significance for Neurodevelopmental disorder with speech impairment and with or without seizures. Review status: criteria provided, single submitter. Criteria: ACMG Guidelines, 2015. Collection method: clinical testing. Allele origin: germline.
Comment: Absent from controls (or at extremely low frequency if recessive) in Genome Aggregation Database.;Multiple lines of computational evidence support a deleterious effect on the gene or gene product.;Missense variant in a gene that has a low rate of benign missense variation.